The following is an entry in ClinVar:

NM_001099922.3(ALG13):c.1064A>G (p.Gln355Arg)

Gene: ALG13 (ALG13 UDP-N-acetylglucosaminyltransferase subunit; plus strand). Cytogenetic location: Xq23.
Variant type: single nucleotide variant.
Coding change: c.1064A>G on transcript NM_001099922.3 (MANE Select); coding-DNA position 1064, A replaced by G.
Protein change: p.Gln355Arg; replaces glutamine 355 with arginine.
Molecular consequence: missense variant. On other transcripts: non-coding transcript variant (1).
Genome position (GRCh38, 1-based): chrX:111,717,904, A>G. VCF-style: chrX-111717904-A-G. GRCh37 (hg19) VCF-style: chrX-110961132-A-G.
Other names: c.752A>G, p.Gln251Arg (NM_001257230.2, NM_001257234.2, NM_001257237.2 and 1 more transcripts); c.830A>G, p.Gln277Arg (NM_001257231.2); c.1064A>G, p.Gln355Arg (NM_001324292.2); short protein forms Q355R, Q251R, Q277R.
Identifiers: ClinVar variation 286496 (VCV000286496.13), dbSNP rs372521943, ClinGen allele CA10493656.

ClinVar aggregate classification (germline): Conflicting classifications of pathogenicity. Review status: criteria provided, conflicting classifications (1 of 4 stars). 3 submissions from 3 submitters: Uncertain significance (2); Benign (1). Last evaluated 2026-01-14.

Conditions:
Developmental and epileptic encephalopathy, 36 (DEE36). Also called: Epileptic encephalopathy, early infantile, 36; Congenital disorder of glycosylation, type Is; ALG13-CDG. Identifiers: Orphanet 324422, MedGen C4317295, MONDO:0010472, OMIM 300884.

Allele frequency attached by ClinVar (database versions not stated): gnomAD 0.00001; TOPMed 0.00002; ExAC 0.00003; ESP Exome Variant Server 0.00012; gnomAD exomes 0.00001 and 0.00003.
gnomAD v4.1: 30 of 1,203,755 alleles (0.0025%); highest among the groups gnomAD compares: Non-Finnish European, 0.0033%; no homozygotes.

Submissions (3):

Women's Health and Genetics/Laboratory Corporation of America, LabCorp
Classification: Uncertain significance. Last evaluated: 2026-01-14. Review status: criteria provided, single submitter. Criteria: LabCorp Variant Classification Summary - May 2015. Collection method: clinical testing. Allele origin: germline.
Comment: Variant summary: ALG13 c.1064A>G (p.Gln355Arg) results in a conservative amino acid change in the encoded protein sequence. Algorithms developed to predict the effect of missense changes on protein structure and function all suggest that this variant is likely to be tolerated. The variant allele was found at a frequency of 1.2e-05 in 173453 control chromosomes. The available data on variant occurrences in the general population are insufficient to allow any conclusion about variant significance. To our knowledge, no occurrence of c.1064A>G in individuals affected with ALG13-related conditions and no experimental evidence demonstrating its impact on protein function have been reported. ClinVar contains an entry for this variant (Variation ID: 286496). Based on the evidence outlined above, the variant was classified as uncertain significance.

Labcorp Genetics (formerly Invitae), Labcorp
Classification: Benign for Developmental and epileptic encephalopathy, 36. Last evaluated: 2024-08-29. Review status: criteria provided, single submitter. Criteria: Invitae Variant Classification Sherloc (09022015). Collection method: clinical testing. Allele origin: germline.

Eurofins Ntd Llc (ga)
Classification: Uncertain significance. Last evaluated: 2016-03-03. Review status: criteria provided, single submitter. Criteria: EGL Classification Definitions 2015. Collection method: clinical testing. Allele origin: germline. Observed: 1 variant allele, 1 heterozygote.